The following is an entry in ClinVar:

ClinVar aggregate classification (germline): Likely benign (1 of 4 stars; one submission).

Submission:

CeGaT Center for Human Genetics Tuebingen
Classification: Likely benign. Last evaluated: 2022-12-01. Review status: criteria provided, single submitter. Criteria: CeGaT Center For Human Genetics Tuebingen Variant Classification Criteria Version 2. Collection method: clinical testing. Allele origin: germline. Affected: yes. Observed: 1 variant allele.
Comment: ZNF28: BS2

NM_006969.5(ZNF28):c.954_958del (p.Lys318fs)

Genes: ZNF28 (zinc finger protein 28; minus strand), ZNF600 (zinc finger protein 600; minus strand). Cytogenetic location: 19q13.41.
Variant type: Deletion.
Coding change: c.954_958del on transcript NM_006969.5 (MANE Select); coding-DNA positions 954 to 958, 5 bases deleted (GATAA; older notation c.954_958delGATAA).
Protein change: p.Lys318fs; shifts the reading frame from lysine 318.
Molecular consequence: frameshift variant. On other transcripts: 3 prime UTR variant (2), non-coding transcript variant (1).
Genome position (GRCh38, 1-based): chr19:52,800,887-52,800,891, TTATC deleted on the plus strand (GATAA on the coding strand, the reverse complement: ZNF28 is on the minus strand); deleting any 5 consecutive bases within chr19:52,800,887-52,800,895 gives the same sequence; the c. name uses the placement nearest the transcript's 3' end. VCF-style (leftmost placement, unchanged base first): chr19-52800886-ATTATC-A. GRCh37 (hg19) VCF-style: chr19-53304139-ATTATC-A.
Other names: c.*682_*686del (NM_001369761.1, NM_001369766.1); c.795_799del, p.Lys265fs (NM_001369762.1); c.945_949del, p.Lys315fs (NM_001369763.1); c.912_916del, p.Lys304fs (NM_001369764.1); c.846_850del, p.Lys282fs (NM_001369765.1); short protein forms K265fs, K282fs, K304fs, K315fs, K318fs.
Identifiers: ClinVar variation 2650397 (VCV002650397.24), dbSNP rs550161786, ClinGen allele CA9627957.
Genomic context (GRCh38, chr19:52,800,886, plus strand): 5'-GAATTACATGTGAAAGCTTTGTCACAAACCTTACATTTGTATGGTTTCCCTCCAGTATAA[ATTATC>A]TTATGTGTTTCAAGGTGTGATTTGCGACTGAAAACTTTGTCACATTCTTCACATTCATAA-3'